The following is an entry in ClinVar:

NM_006876.3(B4GAT1):c.409G>A (p.Val137Met)

Gene: B4GAT1 (beta-1,4-glucuronyltransferase 1; minus strand). Cytogenetic location: 11q13.2.
Variant type: single nucleotide variant.
Coding change: c.409G>A on transcript NM_006876.3 (MANE Select); coding-DNA position 409, G replaced by A.
Protein change: p.Val137Met; replaces valine 137 with methionine.
Molecular consequence: missense variant.
Genome position (GRCh38, 1-based): chr11:66,347,137, C>T on the plus strand (G>A on the coding strand, the complement: B4GAT1 is on the minus strand). VCF-style: chr11-66347137-C-T. GRCh37 (hg19) VCF-style: chr11-66114608-C-T.
Other names: c.409G>A (NM_006876.2); short protein forms V137M.
Identifiers: ClinVar variation 1448687 (VCV001448687.8), dbSNP rs376914969, ClinGen allele CA6120563.

ClinVar aggregate classification (germline): Uncertain significance. Review status: criteria provided, multiple submitters, no conflicts (2 of 4 stars). 2 submissions from 2 submitters: Uncertain significance (2). Last evaluated 2023-04-17.

Conditions:
Muscular dystrophy-dystroglycanopathy (congenital with brain and eye anomalies), type A13. Also called: WALKER-WARBURG SYNDROME OR MUSCLE-EYE-BRAIN DISEASE, B3GNT1-RELATED; Muscular dystrophy-dystroglycanopathy (congenital with brain and eye anomalies), type a, 13. Identifiers: Orphanet 899, MedGen C3809042, MONDO:0014120, OMIM 615287.

Allele frequency attached by ClinVar (database versions not stated): gnomAD exomes below 0.00001; ExAC 0.00004.

Submissions (2):

GeneDx
Classification: Uncertain significance. Last evaluated: 2023-04-17. Review status: criteria provided, single submitter. Criteria: GeneDx Variant Classification Process June 2021. Collection method: clinical testing. Allele origin: germline. Affected: yes.
Comment: Not observed at significant frequency in large population cohorts (gnomAD); In silico analysis supports that this missense variant does not alter protein structure/function; Has not been previously published as pathogenic or benign to our knowledge

Labcorp Genetics (formerly Invitae), Labcorp
Classification: Uncertain significance for Muscular dystrophy-dystroglycanopathy (congenital with brain and eye anomalies), type A13. Last evaluated: 2022-12-06. Review status: criteria provided, single submitter. Criteria: Invitae Variant Classification Sherloc (09022015). Collection method: clinical testing. Allele origin: germline.
Comment: In summary, the available evidence is currently insufficient to determine the role of this variant in disease. Therefore, it has been classified as a Variant of Uncertain Significance. Advanced modeling of protein sequence and biophysical properties (such as structural, functional, and spatial information, amino acid conservation, physicochemical variation, residue mobility, and thermodynamic stability) performed at Invitae indicates that this missense variant is not expected to disrupt B4GAT1 protein function. ClinVar contains an entry for this variant (Variation ID: 1448687). This variant has not been reported in the literature in individuals affected with B4GAT1-related conditions. This variant is present in population databases (rs376914969, gnomAD 0.003%). This sequence change replaces valine, which is neutral and non-polar, with methionine, which is neutral and non-polar, at codon 137 of the B4GAT1 protein (p.Val137Met).